The following is an entry in ClinVar:

NM_006063.3(KLHL41):c.783C>T (p.Gly261=)

Gene: KLHL41 (kelch like family member 41; plus strand). Cytogenetic location: 2q31.1.
Variant type: single nucleotide variant.
Coding change: c.783C>T on transcript NM_006063.3 (MANE Select); coding-DNA position 783, C replaced by T.
Protein change: p.Gly261=; no amino-acid change (glycine 261 retained).
Molecular consequence: synonymous variant.
Genome position (GRCh38, 1-based): chr2:169,510,561, C>T. VCF-style: chr2-169510561-C-T. GRCh37 (hg19) VCF-style: chr2-170367071-C-T.
Identifiers: ClinVar variation 703570 (VCV000703570.39), dbSNP rs141574405, ClinGen allele CA1956554.

ClinVar aggregate classification (germline): Likely benign. Review status: criteria provided, multiple submitters, no conflicts (2 of 4 stars). 4 submissions from 4 submitters: Likely benign (4). Last evaluated 2026-01-12.

Conditions:
Nemaline myopathy 9 (NEM9). Identifiers: MedGen C3810384, MONDO:0014326, OMIM 615731.

Allele frequency attached by ClinVar (database versions not stated): ESP Exome Variant Server 0.00023; gnomAD 0.00030 and 0.00034; TOPMed 0.00033; gnomAD exomes 0.00034 and 0.00040; ExAC 0.00040.
gnomAD v4.1: 563 of 1,614,082 alleles (0.035%); highest among the groups gnomAD compares: Middle Eastern, 0.23%; no homozygotes.

Submissions (4):

Labcorp Genetics (formerly Invitae), Labcorp
Classification: Likely benign for Nemaline myopathy 9. Last evaluated: 2026-01-12. Review status: criteria provided, single submitter. Criteria: Invitae Variant Classification Sherloc (09022015). Collection method: clinical testing. Allele origin: germline.

CeGaT Center for Human Genetics Tuebingen
Classification: Likely benign. Last evaluated: 2023-01-01. Review status: criteria provided, single submitter. Criteria: CeGaT Center For Human Genetics Tuebingen Variant Classification Criteria Version 2. Collection method: clinical testing. Allele origin: germline. Affected: yes. Observed: 1 variant allele.
Comment: KLHL41: BP4, BP7

GeneDx
Classification: Likely benign. Last evaluated: 2019-01-21. Review status: criteria provided, single submitter. Criteria: GeneDx Variant Classification Process June 2021. Collection method: clinical testing. Allele origin: germline. Affected: yes.

Breakthrough Genomics
Classification: Likely benign. Review status: criteria provided, single submitter. Criteria: ACMG Guidelines, 2015. Collection method: not provided. Allele origin: germline. Inheritance: Autosomal recessive inheritance. Affected: yes.